The following is an entry in ClinVar:

NM_006206.6(PDGFRA):c.19G>C (p.Ala7Pro)

Gene: PDGFRA (platelet derived growth factor receptor alpha; plus strand). Cytogenetic location: 4q12.
Variant type: single nucleotide variant.
Coding change: c.19G>C on transcript NM_006206.6 (MANE Select); coding-DNA position 19, G replaced by C.
Protein change: p.Ala7Pro; replaces alanine 7 with proline.
Molecular consequence: missense variant.
Genome position (GRCh38, 1-based): chr4:54,258,787, G>C. VCF-style: chr4-54258787-G-C. GRCh37 (hg19) VCF-style: chr4-55124954-G-C.
Other names: c.19G>C, p.Ala7Pro (NM_001347827.2, NM_001347829.2); c.94G>C, p.Ala32Pro (NM_001347828.2); c.58G>C, p.Ala20Pro (NM_001347830.2); short protein forms A7P, A32P, A20P.
Identifiers: ClinVar variation 3662086 (VCV003662086.2).

ClinVar aggregate classification (germline): Uncertain significance (1 of 4 stars; one submission).

Conditions:
Gastrointestinal stromal tumor. Also called: Gastrointestinal stromal tumor, somatic; Gastrointestinal stroma tumor. Identifiers: Orphanet 44890, MedGen C0238198, MeSH D046152, MONDO:0011719, OMIM 606764, HP:0100723.

Submission:

Labcorp Genetics (formerly Invitae), Labcorp
Classification: Uncertain significance for Gastrointestinal stromal tumor. Last evaluated: 2024-08-22. Review status: criteria provided, single submitter. Criteria: Invitae Variant Classification Sherloc (09022015). Collection method: clinical testing. Allele origin: germline.
Comment: This sequence change replaces alanine, which is neutral and non-polar, with proline, which is neutral and non-polar, at codon 7 of the PDGFRA protein (p.Ala7Pro). This variant is not present in population databases (gnomAD no frequency). This variant has not been reported in the literature in individuals affected with PDGFRA-related conditions. An algorithm developed to predict the effect of missense changes on protein structure and function (PolyPhen-2) suggests that this variant is likely to be tolerated. In summary, the available evidence is currently insufficient to determine the role of this variant in disease. Therefore, it has been classified as a Variant of Uncertain Significance.